The following is an entry in ClinVar:

ClinVar aggregate classification (germline): Conflicting classifications of pathogenicity. Review status: criteria provided, conflicting classifications (1 of 4 stars). 2 submissions from 2 submitters: Uncertain significance (1); Likely benign (1). Last evaluated 2025-09-25.

Conditions:
Hereditary cancer-predisposing syndrome. Also called: Tumor predisposition; Hereditary Cancer Syndrome; Neoplastic Syndromes, Hereditary; Hereditary neoplastic syndrome. Identifiers: Orphanet 140162, MedGen C0027672, MeSH D009386, MONDO:0015356.
Tuberous sclerosis 2 (TSC2). Identifiers: Orphanet 805, MedGen C1860707, MONDO:0013199, OMIM 613254.

Allele frequency attached by ClinVar (database versions not stated): gnomAD exomes below 0.00001.
gnomAD v4.1: 2 of 1,612,538 alleles (0.00012%); highest among the groups gnomAD compares: Non-Finnish European, 0.00017%; no homozygotes.

Submissions (2):

Labcorp Genetics (formerly Invitae), Labcorp
Classification: Uncertain significance for Tuberous sclerosis 2. Last evaluated: 2025-09-25. Review status: criteria provided, single submitter. Criteria: Invitae Variant Classification Sherloc (09022015). Collection method: clinical testing. Allele origin: germline.
Comment: This sequence change replaces proline, which is neutral and non-polar, with serine, which is neutral and polar, at codon 1264 of the TSC2 protein (p.Pro1264Ser). This variant is not present in population databases (gnomAD no frequency). This variant has not been reported in the literature in individuals affected with TSC2-related conditions. ClinVar contains an entry for this variant (Variation ID: 1018920). Invitae Evidence Modeling of protein sequence and biophysical properties (such as structural, functional, and spatial information, amino acid conservation, physicochemical variation, residue mobility, and thermodynamic stability) indicates that this missense variant is not expected to disrupt TSC2 protein function with a negative predictive value of 95%. In summary, the available evidence is currently insufficient to determine the role of this variant in disease. Therefore, it has been classified as a Variant of Uncertain Significance.

Ambry Genetics
Classification: Likely benign for Hereditary cancer-predisposing syndrome. Last evaluated: 2024-05-19. Review status: criteria provided, single submitter. Criteria: Ambry Variant Classification Scheme 2023. Collection method: clinical testing. Allele origin: germline.

NM_000548.5(TSC2):c.3790C>T (p.Pro1264Ser)

Gene: TSC2 (TSC complex subunit 2; plus strand). Cytogenetic location: 16p13.3.
Variant type: single nucleotide variant.
Coding change: c.3790C>T on transcript NM_000548.5 (MANE Select); coding-DNA position 3790, C replaced by T.
Protein change: p.Pro1264Ser; replaces proline 1264 with serine.
Molecular consequence: missense variant.
Genome position (GRCh38, 1-based): chr16:2,081,774, C>T. VCF-style: chr16-2081774-C-T. GRCh37 (hg19) VCF-style: chr16-2131775-C-T.
Other names: c.3790C>T (NM_000548.3); c.3658C>T, p.Pro1220Ser (NM_001077183.3, NM_001370404.1); c.3790C>T, p.Pro1264Ser (NM_001114382.3); c.3550C>T, p.Pro1184Ser (NM_001318827.2); c.3514C>T, p.Pro1172Ser (NM_001318829.2); c.3058C>T, p.Pro1020Ser (NM_001318831.2); c.3691C>T, p.Pro1231Ser (NM_001318832.2); c.3661C>T, p.Pro1221Ser (NM_001363528.2, NM_001370405.1, NM_021055.3); short protein forms P1020S, P1172S, P1184S, P1220S, P1221S, P1231S, P1264S.
Identifiers: ClinVar variation 1018920 (VCV001018920.8), dbSNP rs2090171531, ClinGen allele CA394293506.